The following is an entry in ClinVar:

ClinVar aggregate classification (germline): Uncertain significance. Review status: criteria provided, single submitter (1 of 4 stars). 2 submissions from 2 submitters: Uncertain significance (1). 1 of the submissions does not count toward it. Last evaluated 2024-05-07.

Conditions:
BODY MASS INDEX QUANTITATIVE TRAIT LOCUS 10 (BMIQ10). Also called: OBESITY (BMIQ10), SUSCEPTIBILITY TO. Identifiers: MedGen C2675659, OMIM 607514.

Allele frequency attached by ClinVar (database versions not stated): ExAC 0.01929; ESP Exome Variant Server 0.01315; TOPMed 0.01331; gnomAD 0.01351 and 0.01372; 1000 Genomes Project 30x 0.01483; 1000 Genomes Project 0.01498; gnomAD exomes 0.01762 and 0.01827.
gnomAD v4.1: 28,015 of 1,614,070 alleles (1.7%); highest among the groups gnomAD compares: South Asian, 3.5%; 393 homozygotes.

Submissions (2):

Clinical Genomics Laboratory, Washington University in St. Louis
Classification: Uncertain significance for BODY MASS INDEX QUANTITATIVE TRAIT LOCUS 10. Last evaluated: 2024-05-07. Review status: criteria provided, single submitter. Criteria: ACMG Guidelines, 2015. Collection method: clinical testing. Allele origin: germline.
Comment: The FFAR4 c.761G>A (p.Arg254His) variant, also reported as NM_181745.4:c.809G>A (p.Arg270His), has been reported as a risk allele for obesity with an odds ratio of 1.62; 95% CI 1.31-2.00 (Ichimura A et al., PMID: 22343897) and a risk allele for pathologic ALT levels with an odds ratio of 3.2, 95% CI 1.3-8.0 (adjusted for age, sex, and BMI SDS) (Marzuillo P et al., PMID: 25250621). The highest population minor allele frequency in the population database genome aggregation database (v2.1.1) is 6.03% in the Ashkenazi Jewish population. This variant may increase risk for obesity and elevated ALT levels along with other genetic and environmental factors; based on available information and the ClinGen Low Penetrance/Risk Allele Working Group recommendations (Schmidt RJ et al., PMID: 38054408) this variant is classified as an uncertain risk allele.

OMIM
Classification: risk factor for OBESITY (BMIQ10), SUSCEPTIBILITY TO. Last evaluated: 2012-02-19. Review status: no assertion criteria provided. Collection method: literature only. Allele origin: germline. Not counted in ClinVar's aggregate classification.

Literature cited by the submitters: PubMed 22343897 (cited by OMIM); PubMed 27068006 (cited by OMIM).

NM_001195755.2(FFAR4):c.761G>A (p.Arg254His)

Gene: FFAR4 (free fatty acid receptor 4; plus strand). Cytogenetic location: 10q23.33.
Variant type: single nucleotide variant.
Coding change: c.761G>A on transcript NM_001195755.2 (MANE Select); coding-DNA position 761, G replaced by A.
Protein change: p.Arg254His; replaces arginine 254 with histidine.
Molecular consequence: missense variant.
Genome position (GRCh38, 1-based): chr10:93,587,284, G>A. VCF-style: chr10-93587284-G-A. GRCh37 (hg19) VCF-style: chr10-95347041-G-A.
Other names: c.809G>A, p.Arg270His (NM_181745.4); short protein forms R270H, R254H.
Identifiers: ClinVar variation 30774 (VCV000030774.2), dbSNP rs116454156, ClinGen allele CA129457.